The following is an entry in ClinVar:

NC_000007.14:g.(?_6003680)_(6004068_?)del

Gene: PMS2 (PMS1 homolog 2, mismatch repair system component; minus strand). Cytogenetic location: 7p22.1.
Variant type: Deletion.
Identifiers: ClinVar variation 832078 (VCV000832078.6).

ClinVar aggregate classification (germline): Pathogenic (1 of 4 stars; one submission).

Conditions:
Hereditary nonpolyposis colorectal neoplasms. Identifiers: MedGen C0009405, MeSH D003123.

Submission:

Labcorp Genetics (formerly Invitae), Labcorp
Classification: Pathogenic for Hereditary nonpolyposis colorectal neoplasms. Last evaluated: 2022-12-10. Review status: criteria provided, single submitter. Criteria: Invitae Variant Classification Sherloc (09022015). Collection method: clinical testing. Allele origin: germline.
Comment: For these reasons, this variant has been classified as Pathogenic. This variant has not been reported in the literature in individuals affected with PMS2-related conditions. This variant is a gross deletion of the genomic region encompassing exon(s) 3-4 of the PMS2 gene. This deletion is out-of-frame, and is expected to create a premature termination codon and result in an absent or disrupted protein product. Loss-of-function variants in PMS2 are known to be pathogenic (PMID: 21376568, 24362816).

Literature cited by the submitters: PubMed 21376568; PubMed 24362816.